The following is an entry in ClinVar:

ClinVar aggregate classification (germline): Uncertain significance (1 of 4 stars; one submission).

Conditions:
Hereditary cancer-predisposing syndrome. Also called: Neoplastic Syndromes, Hereditary; Tumor predisposition; Hereditary Cancer Syndrome; Hereditary neoplastic syndrome. Identifiers: Orphanet 140162, MedGen C0027672, MeSH D009386, MONDO:0015356.

Submission:

Ambry Genetics
Classification: Uncertain significance for Hereditary cancer-predisposing syndrome. Last evaluated: 2026-03-30. Review status: criteria provided, single submitter. Criteria: Ambry Variant Classification Scheme 2023. Collection method: clinical testing. Allele origin: germline.
Comment: The p.L498V variant (also known as c.1492C>G), located in coding exon 9 of the BRCA1 gene, results from a C to G substitution at nucleotide position 1492. The leucine at codon 498 is replaced by valine, an amino acid with highly similar properties. This amino acid position is conserved. In addition, the in silico prediction for this alteration is inconclusive. Based on the available evidence, the clinical significance of this variant remains unclear.

NM_007294.4(BRCA1):c.1492C>G (p.Leu498Val)

Gene: BRCA1 (BRCA1 DNA repair associated; minus strand). Cytogenetic location: 17q21.31.
Variant type: single nucleotide variant.
Coding change: c.1492C>G on transcript NM_007294.4 (MANE Select); coding-DNA position 1492, C replaced by G.
Protein change: p.Leu498Val; replaces leucine 498 with valine.
Molecular consequence: missense variant. On other transcripts: intron variant (137).
Genome position (GRCh38, 1-based): chr17:43,094,039, G>C on the plus strand (C>G on the coding strand, the complement: BRCA1 is on the minus strand). VCF-style: chr17-43094039-G-C. GRCh37 (hg19) VCF-style: chr17-41246056-G-C.
Other names: c.1348C>G, p.Leu450Val (NM_001407842.1, NM_001407843.1, NM_001407844.1 and 20 more transcripts); c.1351C>G, p.Leu451Val (NM_001407850.1, NM_001407851.1, NM_001407942.1 and 29 more transcripts); c.1288C>G, p.Leu430Val (NM_001407874.1, NM_001407875.1); c.1282C>G, p.Leu428Val (NM_001407879.1, NM_001407881.1, NM_001407882.1 and 13 more transcripts); c.1369C>G, p.Leu457Val (NM_001407937.1, NM_001407938.1, NM_001407939.1 and 19 more transcripts); c.1366C>G, p.Leu456Val (NM_001407940.1, NM_001407941.1, NM_001407649.1 and 11 more transcripts); c.1159C>G, p.Leu387Val (NM_001407946.1, NM_001407957.1, NM_001407947.1 and 6 more transcripts); c.1156C>G, p.Leu386Val (NM_001407956.1, NM_001407958.1, NM_001407954.1 and 1 more transcripts); and 40 more; short protein forms L202V, L330V, L370V, L371V, L386V, L387V, L409V, L410V.
Identifiers: ClinVar variation 4867708 (VCV004867708.1).